The following is an entry in ClinVar:

ClinVar aggregate classification (germline): Uncertain significance (1 of 4 stars; one submission).

Conditions:
Cardiovascular phenotype. Identifiers: MedGen CN230736.

gnomAD v4.1: 7 of 1,613,920 alleles (0.00043%); highest among the groups gnomAD compares: African/African-American, 0.0053%; no homozygotes.

Submission:

Ambry Genetics
Classification: Uncertain significance for Cardiovascular phenotype. Last evaluated: 2025-08-03. Review status: criteria provided, single submitter. Criteria: Ambry Variant Classification Scheme 2023. Collection method: clinical testing. Allele origin: germline.
Comment: The p.V395I variant (also known as c.1183G>A), located in coding exon 9 of the ABCA1 gene, results from a G to A substitution at nucleotide position 1183. The valine at codon 395 is replaced by isoleucine, an amino acid with highly similar properties. This amino acid position is conserved. In addition, this alteration is predicted to be tolerated by in silico analysis. Based on the available evidence, the clinical significance of this variant remains unclear.

NM_005502.4(ABCA1):c.1183G>A (p.Val395Ile)

Gene: ABCA1 (ATP binding cassette subfamily A member 1; minus strand). Cytogenetic location: 9q31.1.
Variant type: single nucleotide variant.
Coding change: c.1183G>A on transcript NM_005502.4 (MANE Select); coding-DNA position 1183, G replaced by A.
Protein change: p.Val395Ile; replaces valine 395 with isoleucine.
Molecular consequence: missense variant.
Genome position (GRCh38, 1-based): chr9:104,837,439, C>T on the plus strand (G>A on the coding strand, the complement: ABCA1 is on the minus strand). VCF-style: chr9-104837439-C-T. GRCh37 (hg19) VCF-style: chr9-107599720-C-T.
Other names: short protein forms V395I.
Identifiers: ClinVar variation 4235644 (VCV004235644.1).